The following is an entry in ClinVar:

ClinVar aggregate classification (germline): Likely risk allele. Review status: criteria provided, single submitter (1 of 4 stars). 2 submissions from 2 submitters: Likely risk allele (1). 1 of the submissions does not count toward it.

Conditions:
Diabetes mellitus, transient neonatal, 3 (TNDM3). Identifiers: Orphanet 99886, MedGen C1864623, MONDO:0012522, OMIM 610582. Disease mechanism: loss of function.
Hyperinsulinemic hypoglycemia, familial, 2. Also called: HYPERINSULINEMIC HYPOGLYCEMIA, PERSISTENT; HYPERINSULINISM, NEONATAL. Identifiers: Orphanet 276580, Orphanet 276603, MedGen C2931833, MONDO:0011153, OMIM 601820. Disease mechanism: loss of function.
Permanent neonatal diabetes mellitus 1. Also called: GCK-Related Permanent Neonatal Diabetes Mellitus. Identifiers: MedGen C5393570, MONDO:0100165, OMIM 606176.
Type 2 diabetes mellitus. Also called: Type II diabetes mellitus. Identifiers: MedGen C0011860, MeSH D003924, MONDO:0005148, OMIM 125853, HP:0005978.

Allele frequency attached by ClinVar (database versions not stated): gnomAD exomes below 0.00001 and 0.00001; TOPMed 0.00001; gnomAD 0.00002.

Submissions (2):

Clinical Genomics, Uppaluri K&H Personalized Medicine Clinic
Classification: Likely risk allele for Type 2 diabetes mellitus. Review status: criteria provided, single submitter. Criteria: K & H Uppaluri Personalized Medicine Clinic Variant Classification & Assertion Criteria_Updated V.1. Collection method: research. Allele origin: somatic. Inheritance: Autosomal dominant inheritance. Affected: yes.
Comment: Mutations in KCNJ11 gene can cause decreased production and secretion of insulin. This can lead to MODY which may be responsive to oral sulfonylureas. This particular variant (rs1193170151) can predispose individuals to Type II Diabetes Mellitus and strength of predisposition is yet to be studied.

Counsyl
Classification: Uncertain significance for Hyperinsulinemic hypoglycemia, familial, 2; Permanent neonatal diabetes mellitus 1; Diabetes mellitus, transient neonatal, 3. Last evaluated: 2017-03-08. Review status: no assertion criteria provided. Collection method: clinical testing. Allele origin: unknown. Not counted in ClinVar's aggregate classification.

Literature cited by the submitters: PubMed 27118464 (cited by Clinical Genomics, Uppaluri K&H Personalized Medicine Clinic and Counsyl); PubMed 28262438 (cited by Clinical Genomics, Uppaluri K&H Personalized Medicine Clinic); PubMed 25555642 (cited by Counsyl).

NM_000525.4(KCNJ11):c.970G>A (p.Gly324Arg)

Gene: KCNJ11 (potassium inwardly rectifying channel subfamily J member 11; minus strand). Cytogenetic location: 11p15.1.
Variant type: single nucleotide variant.
Coding change: c.970G>A on transcript NM_000525.4 (MANE Select); coding-DNA position 970, G replaced by A.
Protein change: p.Gly324Arg; replaces glycine 324 with arginine.
Molecular consequence: missense variant.
Genome position (GRCh38, 1-based): chr11:17,387,122, C>T on the plus strand (G>A on the coding strand, the complement: KCNJ11 is on the minus strand). VCF-style: chr11-17387122-C-T. GRCh37 (hg19) VCF-style: chr11-17408669-C-T.
Other names: c.709G>A, p.Gly237Arg (NM_001166290.2, NM_001377296.1, NM_001377297.1); short protein forms G324R, G237R.
Identifiers: ClinVar variation 551025 (VCV000551025.3), dbSNP rs1193170151, ClinGen allele CA379769588.